The following is an entry in ClinVar:

ClinVar aggregate classification (germline): Likely benign. Review status: criteria provided, multiple submitters, no conflicts (2 of 4 stars). 3 submissions from 3 submitters: Likely benign (3). Last evaluated 2025-05-22.

Allele frequency attached by ClinVar (database versions not stated): gnomAD exomes 0.00001 and 0.00002; ExAC 0.00003.
gnomAD v4.1: 11 of 1,614,170 alleles (0.00068%); highest among the groups gnomAD compares: South Asian, 0.0044%; no homozygotes.

Submissions (3):

Labcorp Genetics (formerly Invitae), Labcorp
Classification: Likely benign. Last evaluated: 2025-05-22. Review status: criteria provided, single submitter. Criteria: Invitae Variant Classification Sherloc (09022015). Collection method: clinical testing. Allele origin: germline.

Blueprint Genetics
Classification: Likely benign. Last evaluated: 2023-04-20. Review status: criteria provided, single submitter. Criteria: ACMG Guidelines, 2015. Collection method: clinical testing. Allele origin: germline.

GeneDx
Classification: Likely benign. Last evaluated: 2018-05-22. Review status: criteria provided, single submitter. Criteria: GeneDx Variant Classification (06012015). Collection method: clinical testing. Allele origin: germline. Affected: yes.
Comment: This variant is considered likely benign or benign based on one or more of the following criteria: it is a conservative change, it occurs at a poorly conserved position in the protein, it is predicted to be benign by multiple in silico algorithms, and/or has population frequency not consistent with disease.

NM_006796.3(AFG3L2):c.1143C>T (p.Phe381=)

Gene: AFG3L2 (AFG3 like matrix AAA peptidase subunit 2; minus strand). Cytogenetic location: 18p11.21.
Variant type: single nucleotide variant.
Coding change: c.1143C>T on transcript NM_006796.3 (MANE Select); coding-DNA position 1143, C replaced by T.
Protein change: p.Phe381=; no amino-acid change (phenylalanine 381 retained).
Molecular consequence: synonymous variant.
Genome position (GRCh38, 1-based): chr18:12,356,715, G>A on the plus strand (C>T on the coding strand, the complement: AFG3L2 is on the minus strand). VCF-style: chr18-12356715-G-A. GRCh37 (hg19) VCF-style: chr18-12356714-G-A.
Identifiers: ClinVar variation 667529 (VCV000667529.5), dbSNP rs780618678, ClinGen allele CA8896589.